The following is an entry in ClinVar:

NM_000532.5(PCCB):c.1599del (p.Lys533fs)

Gene: PCCB (propionyl-CoA carboxylase subunit beta; plus strand). Cytogenetic location: 3q22.3.
Variant type: Deletion.
Coding change: c.1599del on transcript NM_000532.5 (MANE Select); coding-DNA position 1599, one base deleted (A; older notation c.1599delA).
Protein change: p.Lys533fs; shifts the reading frame from lysine 533.
Molecular consequence: frameshift variant.
Genome position (GRCh38, 1-based): chr3:136,330,005, A deleted; the last of 4 consecutive A bases (chr3:136,330,002-136,330,005); deleting any one gives the same sequence. VCF-style (leftmost placement, unchanged base first): chr3-136330001-GA-G. GRCh37 (hg19) VCF-style: chr3-136048843-GA-G.
Other names: c.1659del, p.Lys553fs (NM_001178014.2); short protein forms K533fs, K553fs.
Identifiers: ClinVar variation 4763246 (VCV004763246.1).

ClinVar aggregate classification (germline): Pathogenic (1 of 4 stars; one submission).

Conditions:
Propionic acidemia (PROP). Also called: GLYCINEMIA, KETOTIC; HYPERGLYCINEMIA WITH KETOACIDOSIS AND LEUKOPENIA; KETOTIC HYPERGLYCINEMIA. Identifiers: Orphanet 35, MedGen C0268579, MONDO:0011628, OMIM 606054, HP:0003571.

Submission:

Labcorp Genetics (formerly Invitae), Labcorp
Classification: Pathogenic for Propionic acidemia. Last evaluated: 2025-12-29. Review status: criteria provided, single submitter. Criteria: Invitae Variant Classification Sherloc (09022015). Collection method: clinical testing. Allele origin: germline.
Comment: This sequence change is expected to alter the c-terminus of the PCCB protein (p.Lys533Asnfs*18). While this is not anticipated to result in nonsense mediated decay, it is expected to disrupt the last 7 amino acid(s) of the PCCB protein and extend the protein by 10 additional amino acid residues. This variant is not present in population databases (gnomAD no frequency). This variant has not been reported in the literature in individuals affected with PCCB-related conditions. This variant disrupts a region of the PCCB protein in which other variant(s) (p.Asn536Asp) have been determined to be pathogenic (PMID: 12757933, 12888983, 22033733, 23053474, 28649556, 30013935). This suggests that this is a clinically significant region of the protein, and that variants that disrupt it are likely to be disease-causing. For these reasons, this variant has been classified as Pathogenic.

Literature cited by the submitters: PubMed 12757933; PubMed 12888983; PubMed 22033733; PubMed 23053474; PubMed 28649556; PubMed 30013935.